The following is an entry in ClinVar:

ClinVar aggregate classification (germline): Uncertain significance. Review status: criteria provided, multiple submitters, no conflicts (2 of 4 stars). 2 submissions from 2 submitters: Uncertain significance (2). Last evaluated 2024-01-10.

Conditions:
Hereditary cancer-predisposing syndrome. Also called: Hereditary neoplastic syndrome; Tumor predisposition; Hereditary Cancer Syndrome; Neoplastic Syndromes, Hereditary. Identifiers: Orphanet 140162, MedGen C0027672, MeSH D009386, MONDO:0015356.
POLD1-related polyposis and colorectal cancer syndrome (CRCS10). Also called: Colorectal cancer, susceptibility to, 10; Colorectal cancer 10; COLORECTAL CANCER, SUSCEPTIBILITY TO, ON CHROMOSOME 19q. Identifiers: Orphanet 220460, MedGen C2675481, MONDO:0012953, OMIM 612591.

Allele frequency attached by ClinVar (database versions not stated): gnomAD exomes below 0.00001.
gnomAD v4.1: 3 of 1,556,668 alleles (0.00019%); highest among the groups gnomAD compares: Non-Finnish European, 0.000087%; no homozygotes.

Submissions (2):

Labcorp Genetics (formerly Invitae), Labcorp
Classification: Uncertain significance for POLD1-related polyposis and colorectal cancer syndrome. Last evaluated: 2024-01-10. Review status: criteria provided, single submitter. Criteria: Invitae Variant Classification Sherloc (09022015). Collection method: clinical testing. Allele origin: germline.
Comment: This sequence change replaces alanine, which is neutral and non-polar, with valine, which is neutral and non-polar, at codon 1006 of the POLD1 protein (p.Ala1006Val). This variant is not present in population databases (gnomAD no frequency). This variant has not been reported in the literature in individuals affected with POLD1-related conditions. ClinVar contains an entry for this variant (Variation ID: 656463). Advanced modeling of protein sequence and biophysical properties (such as structural, functional, and spatial information, amino acid conservation, physicochemical variation, residue mobility, and thermodynamic stability) performed at Invitae indicates that this missense variant is not expected to disrupt POLD1 protein function with a negative predictive value of 80%. In summary, the available evidence is currently insufficient to determine the role of this variant in disease. Therefore, it has been classified as a Variant of Uncertain Significance.

Ambry Genetics
Classification: Uncertain significance for Hereditary cancer-predisposing syndrome. Last evaluated: 2022-08-23. Review status: criteria provided, single submitter. Criteria: Ambry Variant Classification Scheme 2023. Collection method: clinical testing. Allele origin: germline.
Comment: The p.A1006V variant (also known as c.3017C>T), located in coding exon 23 of the POLD1 gene, results from a C to T substitution at nucleotide position 3017. The alanine at codon 1006 is replaced by valine, an amino acid with similar properties. This amino acid position is conserved. In addition, this alteration is predicted to be tolerated by in silico analysis. Since supporting evidence is limited at this time, the clinical significance of this alteration remains unclear.

NM_002691.4(POLD1):c.3017C>T (p.Ala1006Val)

Gene: POLD1 (DNA polymerase delta 1, catalytic subunit; plus strand). Cytogenetic location: 19q13.33.
Variant type: single nucleotide variant.
Coding change: c.3017C>T on transcript NM_002691.4 (MANE Select); coding-DNA position 3017, C replaced by T.
Protein change: p.Ala1006Val; replaces alanine 1006 with valine.
Molecular consequence: missense variant. On other transcripts: non-coding transcript variant (1).
Genome position (GRCh38, 1-based): chr19:50,416,673, C>T. VCF-style: chr19-50416673-C-T. GRCh37 (hg19) VCF-style: chr19-50919930-C-T.
Other names: c.3017C>T, p.Ala1006Val (NM_001256849.1); c.3095C>T, p.Ala1032Val (NM_001308632.1); short protein forms A1006V, A1032V.
Identifiers: ClinVar variation 656463 (VCV000656463.11), dbSNP rs1601247629, ClinGen allele CA406986930.
Genomic context (GRCh38, chr19:50,416,673, plus strand): 5'-GGGACCACACGCGCTGCAAGACGGTGCTCACGGGCAAGGTGGGCGGCCTCCTGGCCTTCG[C>T]CAAACGCCGCAACTGCTGCATTGGCTGCCGCACAGTGCTCAGCCACCAGGGTGAGCGGCC-3'
Protein context (NP_002682.2, residues 996-1016): TGKVGGLLAF[Ala1006Val]KRRNCCIGCR